The following is an entry in ClinVar:

NM_014317.5(PDSS1):c.566G>A (p.Arg189Gln)

Gene: PDSS1 (decaprenyl diphosphate synthase subunit 1; plus strand). Cytogenetic location: 10p12.1.
Variant type: single nucleotide variant.
Coding change: c.566G>A on transcript NM_014317.5 (MANE Select); coding-DNA position 566, G replaced by A.
Protein change: p.Arg189Gln; replaces arginine 189 with glutamine.
Molecular consequence: missense variant.
Genome position (GRCh38, 1-based): chr10:26,720,316, G>A. VCF-style: chr10-26720316-G-A. GRCh37 (hg19) VCF-style: chr10-27009245-G-A.
Other names: c.566G>A, p.Arg189Gln (NM_001321978.2); c.56G>A, p.Arg19Gln (NM_001321979.2); short protein forms R19Q, R189Q.
Identifiers: ClinVar variation 2167429 (VCV002167429.4), dbSNP rs2132259474, ClinGen allele CA376346337.

ClinVar aggregate classification (germline): Uncertain significance (1 of 4 stars; one submission).

Submission:

Labcorp Genetics (formerly Invitae), Labcorp
Classification: Uncertain significance. Last evaluated: 2025-08-21. Review status: criteria provided, single submitter. Criteria: Invitae Variant Classification Sherloc (09022015). Collection method: clinical testing. Allele origin: germline.
Comment: This sequence change replaces arginine, which is basic and polar, with glutamine, which is neutral and polar, at codon 189 of the PDSS1 protein (p.Arg189Gln). This variant is not present in population databases (gnomAD no frequency). This variant has not been reported in the literature in individuals affected with PDSS1-related conditions. ClinVar contains an entry for this variant (Variation ID: 2167429). Invitae Evidence Modeling of protein sequence and biophysical properties (such as structural, functional, and spatial information, amino acid conservation, physicochemical variation, residue mobility, and thermodynamic stability) indicates that this missense variant is expected to disrupt PDSS1 protein function with a positive predictive value of 80%. In summary, the available evidence is currently insufficient to determine the role of this variant in disease. Therefore, it has been classified as a Variant of Uncertain Significance.